The following is an entry in ClinVar:

ClinVar aggregate classification (germline): Conflicting classifications of pathogenicity. Review status: criteria provided, conflicting classifications (1 of 4 stars). 2 submissions from 2 submitters: Uncertain significance (1); Likely benign (1). Last evaluated 2023-06-02.

Conditions:
Inborn genetic diseases. Identifiers: MedGen C0950123, MeSH D030342.
COG8-congenital disorder of glycosylation. Also called: CDG IIh; COG8-CDG. Identifiers: Orphanet 95428, MedGen C1970021, MONDO:0012635, OMIM 611182.

Allele frequency attached by ClinVar (database versions not stated): TOPMed 0.00012; 1000 Genomes Project 30x 0.00016; 1000 Genomes Project 0.00020.
gnomAD v4.1: 18 of 1,614,210 alleles (0.0011%); highest among the groups gnomAD compares: East Asian, 0.038%; no homozygotes.

Submissions (2):

Ambry Genetics
Classification: Likely benign for Inborn genetic diseases. Last evaluated: 2023-06-02. Review status: criteria provided, single submitter. Criteria: Ambry Variant Classification Scheme 2023. Collection method: clinical testing. Allele origin: germline.

Labcorp Genetics (formerly Invitae), Labcorp
Classification: Uncertain significance for COG8-congenital disorder of glycosylation. Last evaluated: 2021-03-13. Review status: criteria provided, single submitter. Criteria: Invitae Variant Classification Sherloc (09022015). Collection method: clinical testing. Allele origin: germline.
Comment: This sequence change replaces glycine with tryptophan at codon 490 of the COG8 protein (p.Gly490Trp). The glycine residue is moderately conserved and there is a large physicochemical difference between glycine and tryptophan. This variant is present in population databases (rs202134146, ExAC 0.09%). This variant has not been reported in the literature in individuals with COG8-related conditions. Algorithms developed to predict the effect of missense changes on protein structure and function are either unavailable or do not agree on the potential impact of this missense change (SIFT: "Deleterious"; PolyPhen-2: "Possibly Damaging"; Align-GVGD: "Class C0"). In summary, the available evidence is currently insufficient to determine the role of this variant in disease. Therefore, it has been classified as a Variant of Uncertain Significance.

NM_032382.5(COG8):c.1468G>T (p.Gly490Trp)

Gene: COG8 (component of oligomeric golgi complex 8; minus strand). Cytogenetic location: 16q22.1.
Variant type: single nucleotide variant.
Coding change: c.1468G>T on transcript NM_032382.5 (MANE Select); coding-DNA position 1468, G replaced by T.
Protein change: p.Gly490Trp; replaces glycine 490 with tryptophan.
Molecular consequence: missense variant. On other transcripts: intron variant (1).
Genome position (GRCh38, 1-based): chr16:69,332,828, C>A on the plus strand (G>T on the coding strand, the complement: COG8 is on the minus strand). VCF-style: chr16-69332828-C-A. GRCh37 (hg19) VCF-style: chr16-69366731-C-A.
Other names: c.1468G>T, p.Gly490Trp (NM_001374871.1, NM_001379261.1, NM_001379262.1 and 3 more transcripts); c.1413+1693G>T (NM_001379266.1); c.1468G>T (NM_032382.4); short protein forms G490W.
Identifiers: ClinVar variation 1040489 (VCV001040489.10), dbSNP rs202134146, ClinGen allele CA8133701.